The following is an entry in ClinVar:

ClinVar aggregate classification (germline): Uncertain significance. Review status: criteria provided, multiple submitters, no conflicts (2 of 4 stars). 6 submissions from 5 submitters: Uncertain significance (6). Last evaluated 2025-04-11.

Conditions:
Inborn genetic diseases. Identifiers: MedGen C0950123, MeSH D030342.
Early-infantile DEE. Also called: Early infantile epileptic encephalopathy; Ohtahara syndrome; Early infantile epileptic encephalopathy with suppression bursts. Identifiers: Orphanet 1934, MedGen C0393706, MONDO:0800491.
Migraine, familial hemiplegic, 3. Identifiers: Orphanet 569, MedGen C1864987, MONDO:0012320, OMIM 609634.
Generalized epilepsy with febrile seizures plus, type 2 (GEFSP2). Also called: GEFS+, TYPE 2. Identifiers: Orphanet 36387, MedGen C1858673, MONDO:0011461, OMIM 604403.

Allele frequency attached by ClinVar (database versions not stated): ExAC 0.00001; gnomAD 0.00001; gnomAD exomes 0.00001; TOPMed 0.00001; 1000 Genomes Project 30x 0.00016; 1000 Genomes Project 0.00020.
gnomAD v4.1: 22 of 1,614,028 alleles (0.0014%); highest among the groups gnomAD compares: South Asian, 0.023%; no homozygotes.

Submissions (6):

Ambry Genetics
Classification: Uncertain significance for Inborn genetic diseases. Last evaluated: 2025-04-11. Review status: criteria provided, single submitter. Criteria: Ambry Variant Classification Scheme 2023. Collection method: clinical testing. Allele origin: germline.

GeneDx
Classification: Uncertain significance. Last evaluated: 2025-04-09. Review status: criteria provided, single submitter. Criteria: GeneDx Variant Classification Process June 2021. Collection method: clinical testing. Allele origin: germline. Affected: yes.
Comment: Identified in a patient with seizures in the published literature, however, familial segregation information and in vitro functional studies were not included (PMID: 37209046); This substitution is predicted to be within the cytoplasmic loop between the first and second homologous domains; In silico analysis supports that this missense variant has a deleterious effect on protein structure/function; This variant is associated with the following publications: (PMID: 37209046)

Labcorp Genetics (formerly Invitae), Labcorp
Classification: Uncertain significance for Early-infantile DEE. Last evaluated: 2023-09-18. Review status: criteria provided, single submitter. Criteria: Invitae Variant Classification Sherloc (09022015). Collection method: clinical testing. Allele origin: germline.
Comment: In summary, the available evidence is currently insufficient to determine the role of this variant in disease. Therefore, it has been classified as a Variant of Uncertain Significance. Advanced modeling of protein sequence and biophysical properties (such as structural, functional, and spatial information, amino acid conservation, physicochemical variation, residue mobility, and thermodynamic stability) performed at Invitae indicates that this missense variant is expected to disrupt SCN1A protein function. ClinVar contains an entry for this variant (Variation ID: 893690). This missense change has been observed in at least one individual who was not affected with SCN1A-related conditions (Invitae). This variant has not been reported in the literature in individuals affected with SCN1A-related conditions. This variant is present in population databases (rs570326929, gnomAD 0.01%). This sequence change replaces proline, which is neutral and non-polar, with leucine, which is neutral and non-polar, at codon 669 of the SCN1A protein (p.Pro669Leu).

Illumina Laboratory Services, Illumina
Classification: Uncertain significance for Generalized epilepsy with febrile seizures plus, type 2. Last evaluated: 2018-01-12. Review status: criteria provided, single submitter. Criteria: ICSL Variant Classification Criteria 13 December 2019. Collection method: clinical testing. Allele origin: germline.

Illumina Laboratory Services, Illumina
Classification: Uncertain significance for Migraine, familial hemiplegic, 3. Last evaluated: 2018-01-12. Review status: criteria provided, single submitter. Criteria: ICSL Variant Classification Criteria 13 December 2019. Collection method: clinical testing. Allele origin: germline.

Lifecell International Pvt. Ltd
Classification: Uncertain significance for Generalized epilepsy with febrile seizures plus, type 2. Review status: criteria provided, single submitter. Criteria: ACMG Guidelines 2015. Collection method: clinical testing. Allele origin: germline. Inheritance: Autosomal dominant inheritance. Affected: yes. Observed: 1 variant allele, 1 heterozygote.
Comment: A heterozygous missense variant (c.2006C>T) in exon 14 of the SCN1A gene that results in the amino acid substitution from Proline to Leucine at codon 669 (p.Pro669Leu) was identified. There is a moderate physicochemical difference between proline and leucine. The observed variant has a minor allele frequency of 0.0012% in gnomAD database and not reported in 1000 genome database. The reference base is conserved across the species and in-silico predictions by Polyphen and SIFT are damaging. The Missense Variants Z-Score for this variant is 5.52. Missense Variants Z-Score is produced by the Exome Aggregation Consortium (60,706 adult humans) by computing a signed Z score for the deviation of observed counts from the expected number. Positive Z scores indicate increased constraint (intolerance to variation) and therefore that the gene had fewer missense variants than expected (DOI:10.1038/nature19057). Missense Badness and MPC is 0.32 and 1.02 respectively. The Missense Badness Score is the normalized fold difference of missense substitutions between observed and expected variants from ExAC dataset. This score is then combined with orthogonal deleteriousness metrics into one score called MPC (for Missense badness, PolyPhen-2, and Constraint) designed to classify whether a missense variants is deleterious.Variants with MPC â‰¥ 2 have a rate nearly 6 times higher in cases than in controls. While those with intermediate MPC values (1 â‰¤ MPC < 2) have a more modest excess in cases. Based on the above evidence this variant has been classified as Variant of uncertain significance according to the ACMG guidelines.

NM_001165963.4(SCN1A):c.2006C>T (p.Pro669Leu)

Gene: SCN1A (sodium voltage-gated channel alpha subunit 1; minus strand). Cytogenetic location: 2q24.3.
Variant type: single nucleotide variant.
Coding change: c.2006C>T on transcript NM_001165963.4 (MANE Select); coding-DNA position 2006, C replaced by T.
Protein change: p.Pro669Leu; replaces proline 669 with leucine.
Molecular consequence: missense variant. On other transcripts: 5 prime UTR variant (1), non-coding transcript variant (1), intron variant (4).
Genome position (GRCh38, 1-based): chr2:166,043,706, G>A on the plus strand (C>T on the coding strand, the complement: SCN1A is on the minus strand). VCF-style: chr2-166043706-G-A. GRCh37 (hg19) VCF-style: chr2-166900216-G-A.
Other names: c.2006C>T, p.Pro669Leu (NM_001202435.3, NM_001353948.2, NM_001353949.2 and 4 more transcripts); c.2003C>T, p.Pro668Leu (NM_001353954.2, NM_001353955.2); c.-420C>T (NM_001353961.2); c.1959+47C>T (NM_001353958.2, NM_001353957.2, NM_001165964.3); c.1956+47C>T (NM_001353960.2); short protein forms P669L, P668L.
Identifiers: ClinVar variation 893690 (VCV000893690.21), dbSNP rs570326929, ClinGen allele CA1943222.